The following is an entry in ClinVar:

ClinVar aggregate classification (germline): Benign (0 of 4 stars; one submission).

Conditions:
MYOM2-related disorder. Also called: MYOM2-related condition.

Allele frequency attached by ClinVar (database versions not stated): ESP Exome Variant Server 0.02053; TOPMed 0.04475; 1000 Genomes Project 0.07548; 1000 Genomes Project 30x 0.07745.
gnomAD v4.1: 34,228 of 1,600,464 alleles (2.1%); highest among the groups gnomAD compares: Admixed American, 15%; 1,766 homozygotes.

Submission:

PreventionGenetics, part of Exact Sciences
Classification: Benign for MYOM2-related condition. Last evaluated: 2019-09-23. Review status: no assertion criteria provided. Collection method: clinical testing. Allele origin: germline.
Comment: This variant is classified as benign based on ACMG/AMP sequence variant interpretation guidelines (Richards et al. 2015 PMID: 25741868, with internal and published modifications).

NM_003970.4(MYOM2):c.260G>T (p.Ser87Ile)

Gene: MYOM2 (myomesin 2; plus strand). Cytogenetic location: 8p23.3.
Variant type: single nucleotide variant.
Coding change: c.260G>T on transcript NM_003970.4 (MANE Select); coding-DNA position 260, G replaced by T.
Protein change: p.Ser87Ile; replaces serine 87 with isoleucine.
Molecular consequence: missense variant.
Genome position (GRCh38, 1-based): chr8:2,052,310, G>T. VCF-style: chr8-2052310-G-T. GRCh37 (hg19) VCF-style: chr8-2000428-G-T.
Other names: short protein forms S87I.
Identifiers: ClinVar variation 3060195 (VCV003060195.2), dbSNP rs35022521, ClinGen allele CA170440010.
Genomic context (GRCh38, chr8:2,052,310, plus strand): 5'-TCTGCAGGGTCTGTGCGAAGCGAGTGAGCACGCAGGAAGATGAGGAGCAGGAGAACAGAA[G>T]CAGGTGAGCACATGGCTTCCCTGACTCCACTTGTGCCCTGCGTGGGGTCACAGTGGAGGG-3'
Protein context (NP_003961.3, residues 77-97): TQEDEEQENR[Ser87Ile]RYQSLVAAYG